The following is an entry in ClinVar:

ClinVar aggregate classification (germline): Pathogenic (1 of 4 stars; one submission).

Conditions:
Nonsyndromic genetic hearing loss. Also called: Non-syndromic genetic deafness; Nonsyndromic genetic deafness; Nonsyndromic hearing loss and deafness. Identifiers: Orphanet 87884, MedGen C5680182, MONDO:0019497.

Allele frequency attached by ClinVar (database versions not stated): gnomAD exomes below 0.00001; TOPMed below 0.00001; gnomAD 0.00001.
gnomAD v4.1: 4 of 1,613,360 alleles (0.00025%); highest among the groups gnomAD compares: Non-Finnish European, 0.00034%; no homozygotes.

Submission:

Laboratory for Molecular Medicine, Mass General Brigham Personalized Medicine
Classification: Pathogenic for Nonsyndromic genetic hearing loss. Last evaluated: 2013-11-05. Review status: criteria provided, single submitter. Criteria: LMM Criteria. Collection method: clinical testing. Allele origin: germline. Inheritance: Autosomal recessive inheritance. Observed: 1 variant allele.
Comment: The Arg2200X variant in TRIOBP has not been reported in individuals with hearing loss or in large population studies. This nonsense variant leads to a premature termination codon at position 2200, which is predicted to lead to a truncated or absent protein. In summary, this variant meets our criteria to be classified as pathogenic.

NM_001039141.3(TRIOBP):c.6598C>T (p.Arg2200Ter)

Gene: TRIOBP (TRIO and F-actin binding protein; plus strand). Cytogenetic location: 22q13.1.
Variant type: single nucleotide variant.
Coding change: c.6598C>T on transcript NM_001039141.3 (MANE Select); coding-DNA position 6598, C replaced by T.
Protein change: p.Arg2200Ter; replaces arginine 2200 with a stop codon.
Molecular consequence: nonsense.
Genome position (GRCh38, 1-based): chr22:37,769,050, C>T. VCF-style: chr22-37769050-C-T. GRCh37 (hg19) VCF-style: chr22-38165057-C-T.
Other names: c.1459C>T, p.Arg487Ter (NM_007032.5); short protein forms R2200*, R487*.
Identifiers: ClinVar variation 165613 (VCV000165613.4), dbSNP rs727503528, ClinGen allele CA273246.